The following is an entry in ClinVar:

ClinVar aggregate classification (germline): Uncertain significance (1 of 4 stars; one submission).

Submission:

Labcorp Genetics (formerly Invitae), Labcorp
Classification: Uncertain significance. Last evaluated: 2021-10-13. Review status: criteria provided, single submitter. Criteria: Invitae Variant Classification Sherloc (09022015). Collection method: clinical testing. Allele origin: germline.
Comment: This variant has not been reported in the literature in individuals affected with TBCE-related conditions. This variant is not present in population databases (ExAC no frequency). Algorithms developed to predict the effect of missense changes on protein structure and function (SIFT, PolyPhen-2, Align-GVGD) all suggest that this variant is likely to be tolerated. In summary, the available evidence is currently insufficient to determine the role of this variant in disease. Therefore, it has been classified as a Variant of Uncertain Significance. This sequence change replaces arginine with glycine at codon 223 of the TBCE protein (p.Arg223Gly). The arginine residue is weakly conserved and there is a moderate physicochemical difference between arginine and glycine.

NM_003193.5(TBCE):c.667C>G (p.Arg223Gly)

Gene: TBCE (tubulin folding cofactor E; plus strand). Cytogenetic location: 1q42.3.
Variant type: single nucleotide variant.
Coding change: c.667C>G on transcript NM_003193.5 (MANE Select); coding-DNA position 667, C replaced by G.
Protein change: p.Arg223Gly; replaces arginine 223 with glycine.
Molecular consequence: missense variant.
Genome position (GRCh38, 1-based): chr1:235,434,210, C>G. VCF-style: chr1-235434210-C-G. GRCh37 (hg19) VCF-style: chr1-235597525-C-G.
Other names: c.667C>G, p.Arg223Gly (NM_001079515.3); c.820C>G, p.Arg274Gly (NM_001287801.2); c.328C>G, p.Arg110Gly (NM_001287802.2); short protein forms R223G, R110G, R274G.
Identifiers: ClinVar variation 1525088 (VCV001525088.6), dbSNP rs75832955, ClinGen allele CA344936545.